The following is an entry in ClinVar:

NM_004960.4(FUS):c.681C>T (p.Gly227=)

Gene: FUS (FUS DNA/RNA binding protein; plus strand). Cytogenetic location: 16p11.2.
Variant type: single nucleotide variant.
Coding change: c.681C>T on transcript NM_004960.4 (MANE Select); coding-DNA position 681, C replaced by T.
Protein change: p.Gly227=; no amino-acid change (glycine 227 retained).
Molecular consequence: synonymous variant. On other transcripts: non-coding transcript variant (1).
Genome position (GRCh38, 1-based): chr16:31,185,096, C>T. VCF-style: chr16-31185096-C-T. GRCh37 (hg19) VCF-style: chr16-31196417-C-T.
Other names: c.678C>T, p.Gly226= (NM_001170634.1); c.669C>T, p.Gly223= (NM_001170937.1).
Identifiers: ClinVar variation 1755616 (VCV001755616.29), dbSNP rs755321560, ClinGen allele CA8023758.

ClinVar aggregate classification (germline): Likely benign. Review status: criteria provided, multiple submitters, no conflicts (2 of 4 stars). 3 submissions from 3 submitters: Likely benign (3). Last evaluated 2026-01-21.

Conditions:
Inborn genetic diseases. Identifiers: MedGen C0950123, MeSH D030342.
Amyotrophic lateral sclerosis type 6. Also called: Amyotrophic lateral sclerosis 6, with or without frontotemporal dementia; FUS-Related Amyotrophic Laterial Sclerosis; AMYOTROPHIC LATERAL SCLEROSIS 6 WITHOUT FRONTOTEMPORAL DEMENTIA. Identifiers: Orphanet 275872, Orphanet 803, MedGen C2931786, MONDO:0011951, OMIM 608030.
Tremor, hereditary essential, 4 (ETM4). Identifiers: MedGen C3539195, MONDO:0013888, OMIM 614782.

Allele frequency attached by ClinVar (database versions not stated): ExAC 0.00001; gnomAD exomes 0.00003; gnomAD 0.00004; TOPMed 0.00006.
gnomAD v4.1: 50 of 1,604,836 alleles (0.0031%); highest among the groups gnomAD compares: Non-Finnish European, 0.0037%; no homozygotes.

Submissions (3):

Labcorp Genetics (formerly Invitae), Labcorp
Classification: Likely benign for Tremor, hereditary essential, 4; Amyotrophic lateral sclerosis type 6. Last evaluated: 2026-01-21. Review status: criteria provided, single submitter. Criteria: Invitae Variant Classification Sherloc (09022015). Collection method: clinical testing. Allele origin: germline.

CeGaT Center for Human Genetics Tuebingen
Classification: Likely benign. Last evaluated: 2024-02-01. Review status: criteria provided, single submitter. Criteria: CeGaT Center For Human Genetics Tuebingen Variant Classification Criteria Version 2. Collection method: clinical testing. Allele origin: germline. Affected: yes. Observed: 1 variant allele.
Comment: FUS: BP4, BP7

Ambry Genetics
Classification: Likely benign for Inborn genetic diseases. Last evaluated: 2021-03-18. Review status: criteria provided, single submitter. Criteria: Ambry Variant Classification Scheme 2023. Collection method: clinical testing. Allele origin: germline.